The following is an entry in ClinVar:

NM_007294.4(BRCA1):c.270T>A (p.Ile90=)

Gene: BRCA1 (BRCA1 DNA repair associated; minus strand). Cytogenetic location: 17q21.31.
Variant type: single nucleotide variant.
Coding change: c.270T>A on transcript NM_007294.4 (MANE Select); coding-DNA position 270, T replaced by A.
Protein change: p.Ile90=; no amino-acid change (isoleucine 90 retained).
Molecular consequence: synonymous variant. On other transcripts: 5 prime UTR variant (7), intron variant (2).
Genome position (GRCh38, 1-based): chr17:43,104,899, A>T on the plus strand (T>A on the coding strand, the complement: BRCA1 is on the minus strand). VCF-style: chr17-43104899-A-T. GRCh37 (hg19) VCF-style: chr17-41256916-A-T.
Other names: c.-112T>A (NM_001407963.1, NM_001407965.1, NM_001408510.1 and 4 more transcripts); c.129T>A, p.Ile43= (NM_001407964.1, NM_001408410.1, NM_001408452.1 and 99 more transcripts); c.270T>A, p.Ile90= (NM_001407968.1, NM_001407969.1, NM_001407970.1 and 168 more transcripts); c.192T>A, p.Ile64= (NM_001408409.1, NM_001408411.1, NM_001408412.1 and 21 more transcripts); c.138T>A, p.Ile46= (NM_001408451.1); c.60T>A, p.Ile20= (NM_001408478.1, NM_001408479.1, NM_001408480.1 and 58 more transcripts); c.-218-10039T>A (NM_001407967.1, NM_001407966.1).
Identifiers: ClinVar variation 865617 (VCV000865617.3), dbSNP rs1555596670, ClinGen allele CA500127535.

Conditions:
Breast-ovarian cancer, familial, susceptibility to, 1 (BROVCA1). Also called: BRCA1 Hereditary Breast and Ovarian Cancer; OVARIAN CANCER, SUSCEPTIBILITY TO. Identifiers: Orphanet 145, MedGen C2676676, MONDO:0011450, OMIM 604370. Disease mechanism: loss of function.

Submission:

Brotman Baty Institute, University of Washington
No classification provided (evidence only). Condition: Breast-ovarian cancer, familial 1. Review status: no classification provided. Collection method: in vitro. Allele origin: not applicable. Functional consequence: functionally_normal.
ClinVar note: "not provided" was previously submitted as the classification for the variant. However, the classification appeared to be based only on an observation of functional data so it was converted to no classification on 2025-07-30.